The following is an entry in ClinVar:

ClinVar aggregate classification (germline): Uncertain significance (1 of 4 stars; one submission).

Conditions:
Aniridia 1 (AN1). Identifiers: Orphanet 250923, MedGen C0344542, MONDO:0024507, OMIM 106210.
Irido-corneo-trabecular dysgenesis (ASGD5). Also called: ANTERIOR SEGMENT DYSGENESIS 5. Identifiers: Orphanet 708, MedGen C0344559, MONDO:0011414, OMIM 604229, HP:0000659.

Submission:

Labcorp Genetics (formerly Invitae), Labcorp
Classification: Uncertain significance for Aniridia 1; Irido-corneo-trabecular dysgenesis. Last evaluated: 2022-06-23. Review status: criteria provided, single submitter. Criteria: Invitae Variant Classification Sherloc (09022015). Collection method: clinical testing. Allele origin: germline.
Comment: In summary, the available evidence is currently insufficient to determine the role of this variant in disease. Therefore, it has been classified as a Variant of Uncertain Significance. Variants that disrupt the consensus splice site are a relatively common cause of aberrant splicing (PMID: 17576681, 9536098). Algorithms developed to predict the effect of sequence changes on RNA splicing suggest that this variant may disrupt the consensus splice site. This variant has been observed in individual(s) with clinical features of aniridia (Invitae). This variant is not present in population databases (gnomAD no frequency). This sequence change falls in intron 4 of the PAX6 gene. It does not directly change the encoded amino acid sequence of the PAX6 protein. It affects a nucleotide within the consensus splice site.

Literature cited by the submitters: PubMed 17576681; PubMed 9536098.

NM_001368894.2(PAX6):c.10+5G>T

Gene: PAX6 (paired box 6; minus strand). Cytogenetic location: 11p13.
Variant type: single nucleotide variant.
Coding change: c.10+5G>T on transcript NM_001368894.2 (MANE Select); 5 bases into the intron after coding-DNA position 10, G replaced by T.
Molecular consequence: intron variant.
Genome position (GRCh38, 1-based): chr11:31,806,397, C>A on the plus strand (G>T on the coding strand, the complement: PAX6 is on the minus strand). VCF-style: chr11-31806397-C-A. GRCh37 (hg19) VCF-style: chr11-31827945-C-A.
Other names: c.10+5G>T (NM_001127612.3, NM_001368921.2, NM_001368923.2 and 30 more transcripts); c.110+5G>T (NM_001368910.2); c.-268+4431G>T (NM_001368909.2); c.14-3563G>T (NM_001368911.2); c.-268+5G>T (NM_001368904.2); c.-772+5G>T (NM_001368905.2).
Identifiers: ClinVar variation 2134911 (VCV002134911.4), dbSNP rs587776572, ClinGen allele CA2580084066.